The following is an entry in ClinVar:

ClinVar aggregate classification (germline): Uncertain significance (1 of 4 stars; one submission).

Conditions:
Amyotrophic lateral sclerosis type 1 (ALS1). Also called: AMYOTROPHIC LATERAL SCLEROSIS 1, FAMILIAL. Identifiers: Orphanet 803, MedGen C1862939, MONDO:0007103, OMIM 105400.
Perry syndrome. Also called: PARKINSONISM WITH ALVEOLAR HYPOVENTILATION AND MENTAL DEPRESSION. Identifiers: Orphanet 178509, MedGen C1868594, MONDO:0008201, OMIM 168605.
Neuronopathy, distal hereditary motor, type 7B. Also called: LOWER MOTOR NEURON DISEASE, DYNACTIN TYPE; HMN VIIB; NEURONOPATHY, DISTAL HEREDITARY MOTOR, AUTOSOMAL DOMINANT 14; NEURONOPATHY, DISTAL HEREDITARY MOTOR, HARDING TYPE VIIB; NEUROPATHY, DISTAL HEREDITARY MOTOR, HARDING TYPE VIIB; NEUROPATHY, DISTAL HEREDITARY MOTOR, WITH VOCAL CORD PARALYSIS, HARDING TYPE VIIB. Identifiers: Orphanet 139589, MedGen C1843315, MONDO:0011879, OMIM 607641.

Submission:

Labcorp Genetics (formerly Invitae), Labcorp
Classification: Uncertain significance for Amyotrophic lateral sclerosis type 1; Neuronopathy, distal hereditary motor, type 7B; Perry syndrome. Last evaluated: 2018-09-06. Review status: criteria provided, single submitter. Criteria: Invitae Variant Classification Sherloc (09022015). Collection method: clinical testing. Allele origin: germline.
Comment: This variant has not been reported in the literature in individuals with DCTN1-related disease. This variant is not present in population databases (ExAC no frequency). This sequence change replaces glutamic acid with glutamine at codon 232 of the DCTN1 protein (p.Glu232Gln). The glutamic acid residue is highly conserved and there is a small physicochemical difference between glutamic acid and glutamine. Algorithms developed to predict the effect of missense changes on protein structure and function (SIFT, PolyPhen-2, Align-GVGD) all suggest that this variant is likely to be disruptive, but these predictions have not been confirmed by published functional studies and their clinical significance is uncertain. In summary, the available evidence is currently insufficient to determine the role of this variant in disease. Therefore, it has been classified as a Variant of Uncertain Significance.

NM_004082.5(DCTN1):c.694G>C (p.Glu232Gln)

Gene: DCTN1 (dynactin subunit 1; minus strand). Cytogenetic location: 2p13.1.
Variant type: single nucleotide variant.
Coding change: c.694G>C on transcript NM_004082.5 (MANE Select); coding-DNA position 694, G replaced by C.
Protein change: p.Glu232Gln; replaces glutamic acid 232 with glutamine.
Molecular consequence: missense variant. On other transcripts: non-coding transcript variant (1).
Genome position (GRCh38, 1-based): chr2:74,371,128, C>G on the plus strand (G>C on the coding strand, the complement: DCTN1 is on the minus strand). VCF-style: chr2-74371128-C-G. GRCh37 (hg19) VCF-style: chr2-74598255-C-G.
Other names: c.634G>C, p.Glu212Gln (NM_001135040.3); c.292G>C, p.Glu98Gln (NM_001135041.3, NM_023019.4); c.583G>C, p.Glu195Gln (NM_001190836.2); c.673G>C, p.Glu225Gln (NM_001190837.2); c.643G>C, p.Glu215Gln (NM_001378991.1); c.625G>C, p.Glu209Gln (NM_001378992.1); short protein forms E232Q, E98Q, E195Q, E212Q, E225Q, E209Q, E215Q.
Identifiers: ClinVar variation 645250 (VCV000645250.9), dbSNP rs1573164746, ClinGen allele CA347366498.